The following is an entry in ClinVar:

ClinVar aggregate classification (germline): Uncertain significance. Review status: criteria provided, multiple submitters, no conflicts (2 of 4 stars). 2 submissions from 2 submitters: Uncertain significance (2). Last evaluated 2025-02-16.

Conditions:
Fanconi anemia (FA). Also called: Fanconi's anemia. Identifiers: Orphanet 84, MedGen C0015625, MeSH D005199, MONDO:0019391.

Allele frequency attached by ClinVar (database versions not stated): gnomAD 0.00001; TOPMed 0.00001; ExAC 0.00002; gnomAD exomes 0.00002.
gnomAD v4.1: 25 of 1,614,114 alleles (0.0015%); highest among the groups gnomAD compares: African/African-American, 0.0027%; no homozygotes.

Submissions (2):

GeneDx
Classification: Uncertain significance. Last evaluated: 2025-02-16. Review status: criteria provided, single submitter. Criteria: GeneDx Variant Classification Process June 2021. Collection method: clinical testing. Allele origin: germline. Affected: yes.
Comment: Not observed at significant frequency in large population cohorts (gnomAD); In silico analysis indicates that this missense variant does not alter protein structure/function; Has not been previously published as a pathogenic or benign germline variant to our knowledge; This variant is associated with the following publications: (PMID: 38828439)

Labcorp Genetics (formerly Invitae), Labcorp
Classification: Uncertain significance for Fanconi anemia. Last evaluated: 2022-06-20. Review status: criteria provided, single submitter. Criteria: Invitae Variant Classification Sherloc (09022015). Collection method: clinical testing. Allele origin: germline.
Comment: This sequence change replaces threonine, which is neutral and polar, with methionine, which is neutral and non-polar, at codon 1090 of the SLX4 protein (p.Thr1090Met). In summary, the available evidence is currently insufficient to determine the role of this variant in disease. Therefore, it has been classified as a Variant of Uncertain Significance. Algorithms developed to predict the effect of missense changes on protein structure and function output the following: SIFT: "Tolerated"; PolyPhen-2: "Benign"; Align-GVGD: "Class C0". The methionine amino acid residue is found in multiple mammalian species, which suggests that this missense change does not adversely affect protein function. This variant has not been reported in the literature in individuals affected with SLX4-related conditions. This variant is present in population databases (rs780143733, gnomAD 0.004%).

NM_032444.4(SLX4):c.3269C>T (p.Thr1090Met)

Gene: SLX4 (SLX4 structure-specific endonuclease subunit; minus strand). Cytogenetic location: 16p13.3.
Variant type: single nucleotide variant.
Coding change: c.3269C>T on transcript NM_032444.4 (MANE Select); coding-DNA position 3269, C replaced by T.
Protein change: p.Thr1090Met; replaces threonine 1090 with methionine.
Molecular consequence: missense variant.
Genome position (GRCh38, 1-based): chr16:3,590,369, G>A on the plus strand (C>T on the coding strand, the complement: SLX4 is on the minus strand). VCF-style: chr16-3590369-G-A. GRCh37 (hg19) VCF-style: chr16-3640370-G-A.
Other names: c.3269C>T (NM_032444.2); short protein forms T1090M.
Identifiers: ClinVar variation 1447021 (VCV001447021.9), dbSNP rs780143733, ClinGen allele CA7865956.
Genomic context (GRCh38, chr16:3,590,369, plus strand): 5'-CTGCACTCCAGCACGGACCGACGCTCTTTGCCTTTCTGGTGCCCTGGCTCTTTAGACAGC[G>A]TGAGGATGCTCCTGTCCCTTTTCTGCTTTGATGGCACAGCTGGAGACAGCAAGGTTGGGG-3'
Protein context (NP_115820.2, residues 1080-1100): SKQKRDRSIL[Thr1090Met]LSKEPGHQKG